The following is an entry in ClinVar:

ClinVar aggregate classification (germline): Uncertain significance. Review status: criteria provided, multiple submitters, no conflicts (2 of 4 stars). 3 submissions from 3 submitters: Uncertain significance (3). Last evaluated 2025-10-23.

Conditions:
Inborn genetic diseases. Identifiers: MedGen C0950123, MeSH D030342.
Developmental and epileptic encephalopathy, 11 (DEE11). Also called: Early infantile epileptic encephalopathy 11. Identifiers: Orphanet 1934, MedGen C3150987, MONDO:0013388, OMIM 613721.
Seizures, benign familial infantile, 3 (BFIS3). Also called: Familial neonatal seizures; CONVULSIONS, BENIGN FAMILIAL INFANTILE, 3. Identifiers: Orphanet 140927, Orphanet 306, MedGen C1843140, MONDO:0011904, OMIM 607745.

Allele frequency attached by ClinVar (database versions not stated): gnomAD exomes below 0.00001 and 0.00002; TOPMed below 0.00001; gnomAD 0.00001; ExAC 0.00003; ESP Exome Variant Server 0.00008.
gnomAD v4.1: 2 of 1,613,496 alleles (0.00012%); highest among the groups gnomAD compares: Non-Finnish European, 0.00017%; no homozygotes.

Submissions (3):

Labcorp Genetics (formerly Invitae), Labcorp
Classification: Uncertain significance for Seizures, benign familial infantile, 3; Developmental and epileptic encephalopathy, 11. Last evaluated: 2025-10-23. Review status: criteria provided, single submitter. Criteria: Invitae Variant Classification Sherloc (09022015). Collection method: clinical testing. Allele origin: germline.
Comment: This sequence change replaces glutamine, which is neutral and polar, with arginine, which is basic and polar, at codon 452 of the SCN2A protein (p.Gln452Arg). This variant is present in population databases (rs368212942, gnomAD 0.004%). This variant has not been reported in the literature in individuals affected with SCN2A-related conditions. ClinVar contains an entry for this variant (Variation ID: 1056030). Invitae Evidence Modeling of protein sequence and biophysical properties (such as structural, functional, and spatial information, amino acid conservation, physicochemical variation, residue mobility, and thermodynamic stability) has been performed for this missense variant. However, the output from this modeling did not meet the statistical confidence thresholds required to predict the impact of this variant on SCN2A protein function. In summary, the available evidence is currently insufficient to determine the role of this variant in disease. Therefore, it has been classified as a Variant of Uncertain Significance.

Ambry Genetics
Classification: Uncertain significance for Inborn genetic diseases. Last evaluated: 2025-08-27. Review status: criteria provided, single submitter. Criteria: Ambry Variant Classification Scheme 2023. Collection method: clinical testing. Allele origin: germline.

GeneDx
Classification: Uncertain significance. Last evaluated: 2023-09-27. Review status: criteria provided, single submitter. Criteria: GeneDx Variant Classification Process June 2021. Collection method: clinical testing. Allele origin: germline. Affected: yes.
Comment: Not observed at significant frequency in large population cohorts (gnomAD); Missense variants in this gene are a common cause of disease and they are underrepresented in the general population; In silico analysis supports that this missense variant has a deleterious effect on protein structure/function; Has not been previously published as pathogenic or benign to our knowledge; This substitution is predicted to be in the cytoplasmic loop between the first and second homologous domains

NM_001040142.2(SCN2A):c.1355A>G (p.Gln452Arg)

Gene: SCN2A (sodium voltage-gated channel alpha subunit 2; plus strand). Cytogenetic location: 2q24.3.
Variant type: single nucleotide variant.
Coding change: c.1355A>G on transcript NM_001040142.2 (MANE Select); coding-DNA position 1355, A replaced by G.
Protein change: p.Gln452Arg; replaces glutamine 452 with arginine.
Molecular consequence: missense variant.
Genome position (GRCh38, 1-based): chr2:165,314,080, A>G. VCF-style: chr2-165314080-A-G. GRCh37 (hg19) VCF-style: chr2-166170590-A-G.
Other names: c.1355A>G, p.Gln452Arg (NM_001040143.2, NM_001371246.1, NM_001371247.1 and 1 more transcripts); c.1355A>G (NM_021007.2); short protein forms Q452R.
Identifiers: ClinVar variation 1056030 (VCV001056030.9), dbSNP rs368212942, ClinGen allele CA1939792.
Genomic context (GRCh38, chr2:165,314,080, plus strand): 5'-ATCAGGCCACATTGGAAGAGGCTGAACAGAAGGAAGCTGAATTTCAGCAGATGCTCGAAC[A>G]GTTGAAAAAGCAACAAGAAGAAGCTCAGGTATAGTGAACAAGCATACGGTCCTTTGTTTT-3'
Protein context (NP_001035232.1, residues 442-462): KEAEFQQMLE[Gln452Arg]LKKQQEEAQA